The following is an entry in ClinVar:

NM_001379110.1(SLC9A6):c.256A>G (p.Ser86Gly)

Gene: SLC9A6 (solute carrier family 9 member A6; plus strand). Cytogenetic location: Xq26.3.
Variant type: single nucleotide variant.
Coding change: c.256A>G on transcript NM_001379110.1 (MANE Select); coding-DNA position 256, A replaced by G.
Protein change: p.Ser86Gly; replaces serine 86 with glycine.
Molecular consequence: missense variant.
Genome position (GRCh38, 1-based): chrX:135,994,872, A>G. VCF-style: chrX-135994872-A-G. GRCh37 (hg19) VCF-style: chrX-135077031-A-G.
Other names: c.412A>G, p.Ser138Gly (NM_001042537.2, NM_006359.3); c.256A>G, p.Ser86Gly (NM_001177651.2, NM_001330652.2); short protein forms S138G, S86G.
Identifiers: ClinVar variation 159935 (VCV000159935.34), dbSNP rs587784401, ClinGen allele CA173500.
Genomic context (GRCh38, chrX:135,994,872, plus strand): 5'-TATGGCATTCATGTTCCGAGTGATGTAAATAATGTGACCCTGAGCTGTGAAGTGCAGTCA[A>G]GTCCAACTACCTTACTGGTAAATGTTAGTGGAAAATTTTATGAGTATATGCTGAAAGGAG-3'
Protein context (NP_001366039.1, residues 76-96): NVTLSCEVQS[Ser86Gly]PTTLLVNVSG

ClinVar aggregate classification (germline): Uncertain significance. Review status: criteria provided, multiple submitters, no conflicts (2 of 4 stars). 4 submissions from 4 submitters: Uncertain significance (4). Last evaluated 2024-08-08.

Conditions:
Christianson syndrome (MRXSCH). Also called: SLC9A6-Related Syndromic Mental Retardation; INTELLECTUAL DEVELOPMENTAL DISORDER, X-LINKED, SYNDROMIC, CHRISTIANSON TYPE; X-linked mental retardation, syndromic, Christianson type. Identifiers: Orphanet 85278, MedGen C2678194, MONDO:0010278, OMIM 300243.

Allele frequency attached by ClinVar (database versions not stated): gnomAD exomes below 0.00001 and 0.00001; gnomAD 0.00001; TOPMed 0.00001; 1000 Genomes Project 30x 0.00021; 1000 Genomes Project 0.00026.
gnomAD v4.1: 5 of 1,207,043 alleles (0.00041%); highest among the groups gnomAD compares: East Asian, 0.012%; no homozygotes.

Submissions (4):

Women's Health and Genetics/Laboratory Corporation of America, LabCorp
Classification: Uncertain significance. Last evaluated: 2024-08-08. Review status: criteria provided, single submitter. Criteria: LabCorp Variant Classification Summary - May 2015. Collection method: clinical testing. Allele origin: germline.
Comment: Variant summary: SLC9A6 c.412A>G (p.Ser138Gly) results in a non-conservative amino acid change located in the Cation/H+ exchanger domain (IPR006153) of the encoded protein sequence. Three of five in-silico tools predict a benign effect of the variant on protein function. The variant allele was found at a frequency of 5.4e-06 in 183493 control chromosomes. The available data on variant occurrences in the general population are insufficient to allow any conclusion about variant significance. To our knowledge, no occurrence of c.412A>G in individuals affected with Christianson Syndrome and no experimental evidence demonstrating its impact on protein function have been reported. ClinVar contains an entry for this variant (Variation ID: 159935). Based on the evidence outlined above, the variant was classified as uncertain significance.

Labcorp Genetics (formerly Invitae), Labcorp
Classification: Uncertain significance for Christianson syndrome. Last evaluated: 2024-07-23. Review status: criteria provided, single submitter. Criteria: Invitae Variant Classification Sherloc (09022015). Collection method: clinical testing. Allele origin: germline.
Comment: This sequence change replaces serine, which is neutral and polar, with glycine, which is neutral and non-polar, at codon 138 of the SLC9A6 protein (p.Ser138Gly). This variant is present in population databases (rs587784401, gnomAD 0.008%). This variant has not been reported in the literature in individuals affected with SLC9A6-related conditions. ClinVar contains an entry for this variant (Variation ID: 159935). Advanced modeling of protein sequence and biophysical properties (such as structural, functional, and spatial information, amino acid conservation, physicochemical variation, residue mobility, and thermodynamic stability) performed at Invitae indicates that this missense variant is not expected to disrupt SLC9A6 protein function with a negative predictive value of 80%. In summary, the available evidence is currently insufficient to determine the role of this variant in disease. Therefore, it has been classified as a Variant of Uncertain Significance.

CeGaT Center for Human Genetics Tuebingen
Classification: Uncertain significance. Last evaluated: 2024-05-01. Review status: criteria provided, single submitter. Criteria: CeGaT Center For Human Genetics Tuebingen Variant Classification Criteria Version 2. Collection method: clinical testing. Allele origin: germline. Affected: yes. Observed: 1 variant allele.
Comment: SLC9A6: PM2, BP5

Genetic Services Laboratory, University of Chicago
Classification: Uncertain significance for Mental retardation, X-linked syndromic, Christianson type. Last evaluated: 2014-06-10. Review status: criteria provided, single submitter. Criteria: ACMG Guidelines, 2015. Collection method: clinical testing. Allele origin: germline. Inheritance: X-linked inheritance.